The following is an entry in ClinVar:

NM_000268.4(NF2):c.1447-9C>G

Gene: NF2 (NF2, moesin-ezrin-radixin like (MERLIN) tumor suppressor; plus strand). Cytogenetic location: 22q12.2.
Variant type: single nucleotide variant.
Coding change: c.1447-9C>G on transcript NM_000268.4 (MANE Select); 9 bases into the intron before coding-DNA position 1447, C replaced by G.
Molecular consequence: intron variant.
Genome position (GRCh38, 1-based): chr22:29,678,187, C>G. VCF-style: chr22-29678187-C-G. GRCh37 (hg19) VCF-style: chr22-30074176-C-G.
Other names: c.1447-9C>G (NM_016418.5, NM_181832.3, NM_181825.3); c.448-16565C>G (NM_181833.3); c.1324-9C>G (NM_181829.3); c.1321-9C>G (NM_181828.3); c.1198-9C>G (NM_181830.3, NM_181831.3).
Identifiers: ClinVar variation 956632 (VCV000956632.10), dbSNP rs1485358709, ClinGen allele CA638994776.

ClinVar aggregate classification (germline): Uncertain significance (1 of 4 stars; one submission).

Conditions:
Neurofibromatosis, type 2 (SWNV). Also called: BILATERAL ACOUSTIC NEUROFIBROMATOSIS; SCHWANNOMATOSIS, VESTIBULAR; NF2-Related Schwannomatosis. Identifiers: Orphanet 637, MedGen C0027832, MONDO:0007039, OMIM 101000. Disease mechanism: loss of function.

Allele frequency attached by ClinVar (database versions not stated): gnomAD exomes below 0.00001.
gnomAD v4.1: 2 of 1,613,862 alleles (0.00012%); highest among the groups gnomAD compares: Non-Finnish European, 0.00017%; no homozygotes.

Submission:

Labcorp Genetics (formerly Invitae), Labcorp
Classification: Uncertain significance for Neurofibromatosis, type 2. Last evaluated: 2019-10-29. Review status: criteria provided, single submitter. Criteria: Invitae Variant Classification Sherloc (09022015). Collection method: clinical testing. Allele origin: germline.
Comment: Algorithms developed to predict the effect of sequence changes on RNA splicing suggest that this variant may disrupt the consensus splice site, but this prediction has not been confirmed by published transcriptional studies. In summary, the available evidence is currently insufficient to determine the role of this variant in disease. Therefore, it has been classified as a Variant of Uncertain Significance. This sequence change falls in intron 13 of the NF2 gene. It does not directly change the encoded amino acid sequence of the NF2 protein. This variant is not present in population databases (ExAC no frequency). This variant has not been reported in the literature in individuals with NF2-related conditions.